The following is an entry in ClinVar:

ClinVar aggregate classification (germline): Pathogenic/Likely pathogenic. Review status: criteria provided, multiple submitters, no conflicts (2 of 4 stars). 3 submissions from 3 submitters: Pathogenic (1); Likely pathogenic (2). Last evaluated 2026-02-03.

Conditions:
Familial X-linked hypophosphatemic vitamin D refractory rickets (XLHRD). Also called: X-Linked Hypophosphatemia; HYPOPHOSPHATEMIC VITAMIN D-RESISTANT RICKETS; Hypophosphatemia, vitamin D-resistant rickets; Vitamin D-resistant rickets, X-linked; Hypophosphatemic Rickets, X-Linked Dominant. Identifiers: Orphanet 89936, MedGen C0733682, MONDO:0010619, OMIM 307800.

Submissions (3):

Women's Health and Genetics/Laboratory Corporation of America, LabCorp
Classification: Likely pathogenic for Familial X-linked hypophosphatemic vitamin D refractory rickets. Last evaluated: 2026-02-03. Review status: criteria provided, single submitter. Criteria: LabCorp Variant Classification Summary - May 2015. Collection method: clinical testing. Allele origin: germline.
Comment: Variant summary: PHEX c.1966-1G>C is located in a canonical splice-site and is predicted to affect mRNA splicing resulting in a significantly altered protein due to either exon skipping, shortening, or inclusion of intronic material. Variants that disrupt the consensus splice site are a relatively common cause of aberrant splicing and loss of PHEX function. Several computational tools predict a significant impact on normal splicing: Four predict the variant abolishes the canonical 3' acceptor site. Additionally, four predict the variant also creates/strengthens a cryptic 3' acceptor site. However, these predictions have yet to be confirmed by functional studies. The variant was absent in 182970 control chromosomes. c.1966-1G>C has been observed in individual(s) affected with X-Linked Hypophosphatemic Rickets (e.g. Zhang_2019, Lin_2021). These data indicate that the variant is likely associated with disease. To our knowledge, no experimental evidence demonstrating an impact on protein function has been reported. The following publications have been ascertained in the context of this evaluation (PMID: 34141703, 34806794, 30682568). ClinVar contains an entry for this variant (Variation ID: 421453). Based on the evidence outlined above, the variant was classified as likely pathogenic.

Labcorp Genetics (formerly Invitae), Labcorp
Classification: Pathogenic. Last evaluated: 2020-10-08. Review status: criteria provided, single submitter. Criteria: Invitae Variant Classification Sherloc (09022015). Collection method: clinical testing. Allele origin: germline.
Comment: For these reasons, this variant has been classified as Pathogenic. Donor and acceptor splice site variants typically lead to a loss of protein function (PMID: 16199547), and loss-of-function variants in PHEX are known to be pathogenic (PMID: 9097956, 9106524, 19219621). Algorithms developed to predict the effect of sequence changes on RNA splicing suggest that this variant may disrupt the consensus splice site, but this prediction has not been confirmed by published transcriptional studies. Disruption of this splice site has been observed in individual(s) with hypophosphatemia (PMID: 30682568, Invitae). ClinVar contains an entry for this variant (Variation ID: 421453). This variant is not present in population databases (ExAC no frequency). This sequence change affects an acceptor splice site in intron 19 of the PHEX gene. It is expected to disrupt RNA splicing and likely results in an absent or disrupted protein product.

GeneDx
Classification: Likely pathogenic. Last evaluated: 2016-08-18. Review status: criteria provided, single submitter. Criteria: GeneDx Variant Classification (06012015). Collection method: clinical testing. Allele origin: germline. Affected: yes.
Comment: The c.1966-1 G>C splice site variant in the PHEX gene has not been published as a pathogenic variant, nor has it been reported as a benign variant to our knowledge. The variant was not observed in approximately 6,500 individuals of European and African American ancestry in the NHLBI Exome Sequencing Project, indicating it is not a common benign variant in these populations. While this variant destroys the canonical splice acceptor site in intron 19, the adjacent exon 20 remains in frame. In the absence of RNA/functional studies, the actual effect of this sequence change in this individual is unknown. Therefore, this variant is likely pathogenic; however, the possibility that it is benign cannot be excluded.

Literature cited by the submitters: PubMed 34806794 (cited by Women's Health and Genetics/Laboratory Corporation of America, LabCorp); PubMed 34141703 (cited by Women's Health and Genetics/Laboratory Corporation of America, LabCorp); PubMed 30682568 (cited by Women's Health and Genetics/Laboratory Corporation of America, LabCorp and Labcorp Genetics (formerly Invitae), Labcorp); PubMed 16199547 (cited by Labcorp Genetics (formerly Invitae), Labcorp); PubMed 9097956 (cited by Labcorp Genetics (formerly Invitae), Labcorp); PubMed 9106524 (cited by Labcorp Genetics (formerly Invitae), Labcorp); PubMed 19219621 (cited by Labcorp Genetics (formerly Invitae), Labcorp).

NM_000444.6(PHEX):c.1966-1G>C

Genes: PHEX (phosphate regulating endopeptidase X-linked; plus strand), PTCHD1-AS (PTCHD1 and PHEX antisense RNA; minus strand). Cytogenetic location: Xp22.11.
Variant type: single nucleotide variant.
Coding change: c.1966-1G>C on transcript NM_000444.6 (MANE Select); the canonical splice acceptor site of the intron before coding-DNA position 1966, G replaced by C.
Molecular consequence: splice acceptor variant. On other transcripts: non-coding transcript variant (1).
Genome position (GRCh38, 1-based): chrX:22,227,506, G>C. VCF-style: chrX-22227506-G-C. GRCh37 (hg19) VCF-style: chrX-22245623-G-C.
Other names: c.1966-1G>C (NM_001282754.2).
Identifiers: ClinVar variation 421453 (VCV000421453.12), dbSNP rs1064795147, ClinGen allele CA16621336.
Genomic context (GRCh38, chrX:22,227,506, plus strand): 5'-AGCTGAGCAAAGAGAAAAACCCACCGTTGCAGAGACTCATCTCTTCTTCTTCTCTCACCA[G>C]GCTTACAGGAAATGGATAAATGACAGAAGGCAGGGACTTGAGGAGCCTCTTCTACCAGGC-3'